The following is an entry in ClinVar:

ClinVar aggregate classification (germline): Uncertain significance. Review status: criteria provided, multiple submitters, no conflicts (2 of 4 stars). 2 submissions from 2 submitters: Uncertain significance (2). Last evaluated 2025-01-06.

Allele frequency attached by ClinVar (database versions not stated): gnomAD exomes below 0.00001.
gnomAD v4.1: 2 of 1,613,822 alleles (0.00012%); highest among the groups gnomAD compares: Middle Eastern, 0.017%; no homozygotes.

Submissions (2):

Ambry Genetics
Classification: Uncertain significance. Last evaluated: 2025-01-06. Review status: criteria provided, single submitter. Criteria: Ambry Variant Classification Scheme 2023. Collection method: clinical testing. Allele origin: germline.
Comment: The p.Q729H variant (also known as c.2187A>T), located in coding exon 13 of the GEN1 gene, results from an A to T substitution at nucleotide position 2187. The glutamine at codon 729 is replaced by histidine, an amino acid with highly similar properties. This amino acid position is conserved. In addition, this alteration is predicted to be tolerated by in silico analysis. Based on the available evidence, the clinical significance of this variant remains unclear.

Labcorp Genetics (formerly Invitae), Labcorp
Classification: Uncertain significance. Last evaluated: 2022-11-14. Review status: criteria provided, single submitter. Criteria: Invitae Variant Classification Sherloc (09022015). Collection method: clinical testing. Allele origin: germline.
Comment: In summary, the available evidence is currently insufficient to determine the role of this variant in disease. Therefore, it has been classified as a Variant of Uncertain Significance. Algorithms developed to predict the effect of missense changes on protein structure and function output the following: SIFT: "Tolerated"; PolyPhen-2: "Benign"; Align-GVGD: "Class C0". The histidine amino acid residue is found in multiple mammalian species, which suggests that this missense change does not adversely affect protein function. ClinVar contains an entry for this variant (Variation ID: 1498839). This variant has not been reported in the literature in individuals affected with GEN1-related conditions. This variant is not present in population databases (gnomAD no frequency). This sequence change replaces glutamine, which is neutral and polar, with histidine, which is basic and polar, at codon 729 of the GEN1 protein (p.Gln729His).

NM_001130009.3(GEN1):c.2187A>T (p.Gln729His)

Gene: GEN1 (GEN1 structure-specific endonuclease; plus strand). Cytogenetic location: 2p24.2.
Variant type: single nucleotide variant.
Coding change: c.2187A>T on transcript NM_001130009.3 (MANE Select); coding-DNA position 2187, A replaced by T.
Protein change: p.Gln729His; replaces glutamine 729 with histidine.
Molecular consequence: missense variant.
Genome position (GRCh38, 1-based): chr2:17,781,399, A>T. VCF-style: chr2-17781399-A-T. GRCh37 (hg19) VCF-style: chr2-17962666-A-T.
Other names: c.2187A>T, p.Gln729His (NM_182625.5); c.2187A>T (NM_001130009.1); short protein forms Q729H.
Identifiers: ClinVar variation 1498839 (VCV001498839.9), dbSNP rs2125180032, ClinGen allele CA345927492.